The following is an entry in ClinVar:

NM_015690.5(STK36):c.166C>T (p.Arg56Trp)

Gene: STK36 (serine/threonine kinase 36; plus strand). Cytogenetic location: 2q35.
Variant type: single nucleotide variant.
Coding change: c.166C>T on transcript NM_015690.5 (MANE Select); coding-DNA position 166, C replaced by T.
Protein change: p.Arg56Trp; replaces arginine 56 with tryptophan.
Molecular consequence: missense variant.
Genome position (GRCh38, 1-based): chr2:218,673,706, C>T. VCF-style: chr2-218673706-C-T. GRCh37 (hg19) VCF-style: chr2-219538429-C-T.
Other names: c.166C>T, p.Arg56Trp (NM_001243313.2, NM_001369423.1); short protein forms R56W.
Identifiers: ClinVar variation 2243294 (VCV002243294.4), dbSNP rs746627715, ClinGen allele CA2110352.
Genomic context (GRCh38, chr2:218,673,706, plus strand): 5'-CCAAAATTGGGGCGCTCAGAGAAGGAGCTGAGGAATTTGCAACGAGAGATTGAAATAATG[C>T]GGGGTCTGCGGCATCCCAACATTGTGCATATGCTTGACAGCTTTGAAACTGATAAAGAGG-3'
Protein context (NP_056505.2, residues 46-66): RNLQREIEIM[Arg56Trp]GLRHPNIVHM

ClinVar aggregate classification (germline): Uncertain significance. Review status: criteria provided, multiple submitters, no conflicts (2 of 4 stars). 3 submissions from 3 submitters: Uncertain significance (3). Last evaluated 2024-10-16.

Conditions:
STK36-related disorder. Also called: STK36-related condition.

Allele frequency attached by ClinVar (database versions not stated): ExAC 0.00001; TOPMed 0.00012; gnomAD 0.00013.
gnomAD v4.1: 34 of 1,613,990 alleles (0.0021%); highest among the groups gnomAD compares: African/African-American, 0.035%; no homozygotes.

Submissions (3):

Blueprint Genetics
Classification: Uncertain significance. Last evaluated: 2024-10-16. Review status: criteria provided, single submitter. Criteria: ACMG Guidelines, 2015. Collection method: clinical testing. Allele origin: germline.

PreventionGenetics, part of Exact Sciences
Classification: Uncertain significance for STK36-related condition. Last evaluated: 2023-08-03. Review status: criteria provided, single submitter. Criteria: ACMG Guidelines, 2015. Collection method: clinical testing. Allele origin: germline.
Comment: The STK36 c.166C>T variant is predicted to result in the amino acid substitution p.Arg56Trp. To our knowledge, this variant has not been reported in the literature. This variant is reported in 0.012% of alleles in individuals of African descent in gnomAD. At this time, the clinical significance of this variant is uncertain due to the absence of conclusive functional and genetic evidence.

Ambry Genetics
Classification: Uncertain significance. Last evaluated: 2021-08-12. Review status: criteria provided, single submitter. Criteria: Ambry Variant Classification Scheme 2023. Collection method: clinical testing. Allele origin: germline.